The following is an entry in ClinVar:

NM_201384.3(PLEC):c.1737+11C>G

Gene: PLEC (plectin; minus strand). Cytogenetic location: 8q24.3.
Variant type: single nucleotide variant.
Coding change: c.1737+11C>G on transcript NM_201384.3 (MANE Select); 11 bases into the intron after coding-DNA position 1737, C replaced by G.
Molecular consequence: intron variant.
Genome position (GRCh38, 1-based): chr8:143,932,782, G>C on the plus strand (C>G on the coding strand, the complement: PLEC is on the minus strand). VCF-style: chr8-143932782-G-C. GRCh37 (hg19) VCF-style: chr8-145006950-G-C.
Other names: c.1818+11C>G (NM_001410941.1, NM_000445.5); c.1695+11C>G (NM_201378.4); c.1671+11C>G (NM_201379.3); c.2148+11C>G (NM_201380.4); c.1641+11C>G (NM_201381.3); c.1737+11C>G (NM_201382.4); c.1749+11C>G (NM_201383.3).
Identifiers: ClinVar variation 2637740 (VCV002637740.2), dbSNP rs554677505, ClinGen allele CA4927882.

ClinVar aggregate classification (germline): Conflicting classifications of pathogenicity. Review status: criteria provided, conflicting classifications (1 of 4 stars). 2 submissions from 2 submitters: Uncertain significance (1); Likely benign (1). Last evaluated 2025-12-02.

Conditions:
Epidermolysis bullosa simplex 5B, with muscular dystrophy (EBS5B). Also called: Epidermolysis bullosa simplex with muscular dystrophy; EPIDERMOLYSIS BULLOSA SIMPLEX AND LIMB-GIRDLE MUSCULAR DYSTROPHY. Identifiers: Orphanet 257, MedGen C2931072, MONDO:0009181, OMIM 226670.
Epidermolysis bullosa simplex 5C, with pyloric atresia (EBS5C). Also called: Epidermolysis bullosa simplex with pyloric atresia; PLEC-Related Epidermolysis Bullosa with Pyloric Atresia; PLEC1-Related Epidermolysis Bullosa with Pyloric Atresia. Identifiers: Orphanet 158684, MedGen C2677349, MONDO:0012807, OMIM 612138.
Epidermolysis bullosa simplex with nail dystrophy (EBS5D). Identifiers: MedGen C4225309, MONDO:0014661, OMIM 616487.
Autosomal recessive limb-girdle muscular dystrophy type 2Q (LGMDR17). Also called: MUSCULAR DYSTROPHY, LIMB-GIRDLE, AUTOSOMAL RECESSIVE 17. Identifiers: Orphanet 254361, MedGen C3150989, MONDO:0013390, OMIM 613723.
Epidermolysis bullosa simplex, Ogna type (EBS5A). Also called: Pidermolysis bullosa simplex 5A, Ogna type; EPIDERMOLYSIS BULLOSA SIMPLEX 5A, OGNA TYPE. Identifiers: Orphanet 79401, MedGen C0432317, MONDO:0007555, OMIM 131950.

Allele frequency attached by ClinVar (database versions not stated): gnomAD exomes below 0.00001; ExAC 0.00002; gnomAD 0.00004; TOPMed 0.00004; 1000 Genomes Project 30x 0.00016; 1000 Genomes Project 0.00020.
gnomAD v4.1: 11 of 1,611,828 alleles (0.00068%); highest among the groups gnomAD compares: African/African-American, 0.013%; no homozygotes.

Submissions (2):

Labcorp Genetics (formerly Invitae), Labcorp
Classification: Likely benign for Autosomal recessive limb-girdle muscular dystrophy type 2Q; Epidermolysis bullosa simplex, Ogna type; Epidermolysis bullosa simplex with nail dystrophy; Epidermolysis bullosa simplex 5C, with pyloric atresia; Epidermolysis bullosa simplex 5B, with muscular dystrophy. Last evaluated: 2025-12-02. Review status: criteria provided, single submitter. Criteria: Invitae Variant Classification Sherloc (09022015). Collection method: clinical testing. Allele origin: germline.

Women's Health and Genetics/Laboratory Corporation of America, LabCorp
Classification: Uncertain significance. Last evaluated: 2023-10-16. Review status: criteria provided, single submitter. Criteria: LabCorp Variant Classification Summary - May 2015. Collection method: clinical testing. Allele origin: germline.
Comment: Variant summary: PLEC1 c.1818+11C>G alters a non-conserved nucleotide located at a position not widely known to affect splicing. Several computational tools predict a significant impact on normal splicing: Four predict the variant creates a cryptic 5' splicing donor site. However, these predictions have yet to be confirmed by functional studies. The variant allele was found at a frequency of 1.1e-05 in 270562 control chromosomes (gnomAD). The available data on variant occurrences in the general population are insufficient to allow any conclusion about variant significance. To our knowledge, no occurrence of c.1818+11C>G in individuals affected with PLEC1-Related Disorders and no experimental evidence demonstrating its impact on protein function have been reported. No submitters have cited clinical-significance assessments for this variant to ClinVar after 2014. Based on the evidence outlined above, the variant was classified as uncertain significance.